The following is an entry in ClinVar:

ClinVar aggregate classification (germline): Likely benign. Review status: criteria provided, multiple submitters, no conflicts (2 of 4 stars). 2 submissions from 2 submitters: Likely benign (2). Last evaluated 2025-05-02.

Conditions:
UNC80-related disorder. Also called: UNC80-related condition.

Allele frequency attached by ClinVar (database versions not stated): gnomAD 0.00002; gnomAD exomes 0.00002; TOPMed 0.00002.
gnomAD v4.1: 59 of 1,551,638 alleles (0.0038%); highest among the groups gnomAD compares: Middle Eastern, 0.017%; no homozygotes.

Submissions (2):

PreventionGenetics, part of Exact Sciences
Classification: Likely benign for UNC80-related condition. Last evaluated: 2025-05-02. Review status: criteria provided, single submitter. Criteria: ACMG Guidelines, 2015. Collection method: clinical testing. Allele origin: germline.
Comment: This variant is classified as likely benign based on ACMG/AMP sequence variant interpretation guidelines (Richards et al. 2015 PMID: 25741868, with internal and published modifications).

Labcorp Genetics (formerly Invitae), Labcorp
Classification: Likely benign. Last evaluated: 2025-02-04. Review status: criteria provided, single submitter. Criteria: Invitae Variant Classification Sherloc (09022015). Collection method: clinical testing. Allele origin: germline.

NM_001371986.1(UNC80):c.7098G>C (p.Leu2366=)

Gene: UNC80 (unc-80 subunit of NALCN channel complex; plus strand). Cytogenetic location: 2q34.
Variant type: single nucleotide variant.
Coding change: c.7098G>C on transcript NM_001371986.1 (MANE Select); coding-DNA position 7098, G replaced by C.
Protein change: p.Leu2366=; no amino-acid change (leucine 2366 retained).
Molecular consequence: synonymous variant.
Genome position (GRCh38, 1-based): chr2:209,945,098, G>C. VCF-style: chr2-209945098-G-C. GRCh37 (hg19) VCF-style: chr2-210809822-G-C.
Other names: c.6900G>C, p.Leu2300= (NM_032504.2); c.6885G>C, p.Leu2295= (NM_182587.4).
Identifiers: ClinVar variation 738535 (VCV000738535.10), dbSNP rs927732700, ClinGen allele CA65042987.